The following is an entry in ClinVar:

ClinVar aggregate classification (germline): Uncertain significance (1 of 4 stars; one submission).

Conditions:
Menkes kinky-hair syndrome (MNK). Also called: Copper transport disease; Menkes Disease; Classic Menkes Disease. Identifiers: Orphanet 565, MedGen C0022716, MONDO:0010651, OMIM 309400.
X-linked distal spinal muscular atrophy type 3. Also called: ATP7A-Related Distal Motor Neuropathy; SPINAL MUSCULAR ATROPHY, DISTAL, X-LINKED RECESSIVE; NEURONOPATHY, DISTAL HEREDITARY MOTOR, X-LINKED; NEUROPATHY, DISTAL HEREDITARY MOTOR, X-LINKED. Identifiers: Orphanet 139557, MedGen C1845359, MONDO:0010338, OMIM 300489.
Cutis laxa, X-linked (OHS). Also called: EDS IX; Occipital horn syndrome. Identifiers: Orphanet 198, MedGen C0268353, MONDO:0010572, OMIM 304150.

Submission:

Labcorp Genetics (formerly Invitae), Labcorp
Classification: Uncertain significance for X-linked distal spinal muscular atrophy type 3; Cutis laxa, X-linked; Menkes kinky-hair syndrome. Last evaluated: 2024-03-13. Review status: criteria provided, single submitter. Criteria: Invitae Variant Classification Sherloc (09022015). Collection method: clinical testing. Allele origin: germline.
Comment: This sequence change replaces methionine, which is neutral and non-polar, with leucine, which is neutral and non-polar, at codon 687 of the ATP7A protein (p.Met687Leu). This variant is not present in population databases (gnomAD no frequency). This variant has not been reported in the literature in individuals affected with ATP7A-related conditions. Advanced modeling of protein sequence and biophysical properties (such as structural, functional, and spatial information, amino acid conservation, physicochemical variation, residue mobility, and thermodynamic stability) performed at Invitae indicates that this missense variant is not expected to disrupt ATP7A protein function with a negative predictive value of 95%. In summary, the available evidence is currently insufficient to determine the role of this variant in disease. Therefore, it has been classified as a Variant of Uncertain Significance.

NM_000052.7(ATP7A):c.2059A>C (p.Met687Leu)

Gene: ATP7A (ATPase copper transporting alpha; plus strand). Cytogenetic location: Xq21.1.
Variant type: single nucleotide variant.
Coding change: c.2059A>C on transcript NM_000052.7 (MANE Select); coding-DNA position 2059, A replaced by C.
Protein change: p.Met687Leu; replaces methionine 687 with leucine.
Molecular consequence: missense variant.
Genome position (GRCh38, 1-based): chrX:78,011,561, A>C. VCF-style: chrX-78011561-A-C. GRCh37 (hg19) VCF-style: chrX-77267058-A-C.
Other names: c.2059A>C, p.Met687Leu (NM_001282224.2); short protein forms M687L.
Identifiers: ClinVar variation 3749654 (VCV003749654.2).
Genomic context (GRCh38, chrX:78,011,561, plus strand): 5'-CTGATGATATATATGATGGTTATGGACCACCACTTTGCAACTCTTCACCATAATCAAAAC[A>C]TGAGTAAAGAAGAAATGATCAACCTTCATTCTTCTATGTTCCTGGAGCGCCAGATTCTTC-3'
Protein context (NP_000043.4, residues 677-697): HFATLHHNQN[Met687Leu]SKEEMINLHS